The following is an entry in ClinVar:

ClinVar aggregate classification (germline): Uncertain significance (1 of 4 stars; one submission).

Conditions:
Autosomal recessive congenital ichthyosis 4B (ARCI4B). Also called: Ichthyosis, congenital, autosomal recessive 4B (harlequin); Harlequin Fetus; ICHTHYOSIS CONGENITA, HARLEQUIN FETUS TYPE; HARLEQUIN ICHTHYOSIS. Identifiers: Orphanet 457, MedGen C0598226, MONDO:0009443, OMIM 242500.

Allele frequency attached by ClinVar (database versions not stated): TOPMed below 0.00001.

Submission:

Clinical Genomics Laboratory, Washington University in St. Louis
Classification: Uncertain significance for Autosomal recessive congenital ichthyosis 4B. Last evaluated: 2024-01-08. Review status: criteria provided, single submitter. Criteria: ACMG Guidelines, 2015. Collection method: clinical testing. Allele origin: germline.
Comment: An ABCA12 c.3306G>A (p.Met1102Ile) variant was identified at an allelic fraction of 44.7%, a frequency which may be consistent with germline origin. This variant, to our knowledge, has not been reported in the medical literature. It occurs at a highly conserved base position and is absent from the general population (gnomAD v.4.0.0), indicating it is not a common variant. Computational predictors are uncertain as to the impact of this variant on ABCA12 function. Due to limited information, and based on ACMG/AMP guidelines for variant interpretation (Richards S et al., PMID: 25741868), the clinical significance of the ABCA12 c.3306G>A (p.Met1102Ile) variant is uncertain at this time.

NM_173076.3(ABCA12):c.3306G>A (p.Met1102Ile)

Gene: ABCA12 (ATP binding cassette subfamily A member 12; minus strand). Cytogenetic location: 2q35.
Variant type: single nucleotide variant.
Coding change: c.3306G>A on transcript NM_173076.3 (MANE Select); coding-DNA position 3306, G replaced by A.
Protein change: p.Met1102Ile; replaces methionine 1102 with isoleucine.
Molecular consequence: missense variant. On other transcripts: non-coding transcript variant (1).
Genome position (GRCh38, 1-based): chr2:214,991,020, C>T on the plus strand (G>A on the coding strand, the complement: ABCA12 is on the minus strand). VCF-style: chr2-214991020-C-T. GRCh37 (hg19) VCF-style: chr2-215855744-C-T.
Other names: c.2352G>A, p.Met784Ile (NM_015657.4); short protein forms M1102I, M784I.
Identifiers: ClinVar variation 3237413 (VCV003237413.1), dbSNP rs1025969996.